The following is an entry in ClinVar:

ClinVar aggregate classification (germline): Uncertain significance (1 of 4 stars; one submission).

gnomAD v4.1: 7 of 1,613,724 alleles (0.00043%); highest among the groups gnomAD compares: South Asian, 0.0055%; no homozygotes.

Submission:

Ambry Genetics
Classification: Uncertain significance. Last evaluated: 2024-10-08. Review status: criteria provided, single submitter. Criteria: Ambry Variant Classification Scheme 2023. Collection method: clinical testing. Allele origin: germline.
Comment: The p.V234I variant (also known as c.700G>A), located in coding exon 1 of the PALLD gene, results from a G to A substitution at nucleotide position 700. The valine at codon 234 is replaced by isoleucine, an amino acid with highly similar properties. This amino acid position is conserved. In addition, this alteration is predicted to be tolerated by in silico analysis. Based on the available evidence, the clinical significance of this variant remains unclear.

NM_001166108.2(PALLD):c.700G>A (p.Val234Ile)

Gene: PALLD (palladin, cytoskeletal associated protein; plus strand). Cytogenetic location: 4q32.3.
Variant type: single nucleotide variant.
Coding change: c.700G>A on transcript NM_001166108.2 (MANE Select); coding-DNA position 700, G replaced by A.
Protein change: p.Val234Ile; replaces valine 234 with isoleucine.
Molecular consequence: missense variant.
Genome position (GRCh38, 1-based): chr4:168,512,204, G>A. VCF-style: chr4-168512204-G-A. GRCh37 (hg19) VCF-style: chr4-169433355-G-A.
Other names: c.700G>A, p.Val234Ile (NM_016081.4); short protein forms V234I.
Identifiers: ClinVar variation 3413635 (VCV003413635.1).
Genomic context (GRCh38, chr4:168,512,204, plus strand): 5'-CTGCTGAGTGCCTCAGCCAGCCAGAGCCCTATGGAAGACCAAGGGGAGATGGAAAGAGAG[G>A]TCAAGTCCCCTGGGGCCAGGCATTGCTACCAGGACAACCAGGACTTGGCAGTGCCACACA-3'
Protein context (NP_001159580.1, residues 224-244): MEDQGEMERE[Val234Ile]KSPGARHCYQ